The following is an entry in ClinVar:

NM_002585.4(PBX1):c.*2733T>C

Gene: PBX1 (PBX homeobox 1; plus strand). Cytogenetic location: 1q23.3.
Variant type: single nucleotide variant.
Coding change: c.*2733T>C on transcript NM_002585.4 (MANE Select); 2733 bases downstream of the stop codon, T replaced by C.
Molecular consequence: 3 prime UTR variant. On other transcripts: intron variant (1).
Genome position (GRCh38, 1-based): chr1:164,849,409, T>C. VCF-style: chr1-164849409-T-C. GRCh37 (hg19) VCF-style: chr1-164818646-T-C.
Other names: c.*2869T>C (NM_001204961.2); c.*7T>C (NM_001204963.2); c.*2733T>C (NM_001353130.1); c.*43+27783T>C (NM_001353131.2).
Identifiers: ClinVar variation 3054476 (VCV003054476.2), dbSNP rs976562971, ClinGen allele CA32169019.

ClinVar aggregate classification (germline): Likely benign (0 of 4 stars; one submission).

Conditions:
PBX1-related disorder. Also called: PBX1-related condition.

Allele frequency attached by ClinVar (database versions not stated): gnomAD 0.00005; TOPMed 0.00008; gnomAD exomes 0.00013.
gnomAD v4.1: 190 of 1,535,396 alleles (0.012%); highest among the groups gnomAD compares: Non-Finnish European, 0.016%; no homozygotes.

Submission:

PreventionGenetics, part of Exact Sciences
Classification: Likely benign for PBX1-related condition. Last evaluated: 2022-09-14. Review status: no assertion criteria provided. Collection method: clinical testing. Allele origin: germline.
Comment: This variant is classified as likely benign based on ACMG/AMP sequence variant interpretation guidelines (Richards et al. 2015 PMID: 25741868, with internal and published modifications).